The following is an entry in ClinVar:

Conditions:
Long QT syndrome 5 (LQT5). Identifiers: Orphanet 101016, Orphanet 768, MedGen C1867904, MONDO:0013372, OMIM 613695.

Submission:

Roden Lab, Vanderbilt University Medical Center
No classification provided (evidence only). Condition: Long QT syndrome 5. Review status: no classification provided. Collection method: in vitro. Allele origin: not applicable. Functional consequence: Effect on ion channel function.
ClinVar note: "not provided" was previously submitted as the classification for the variant. However, the classification appeared to be based only on an observation of functional data so it was converted to no classification on 2025-07-30.

NM_000219.6(KCNE1):c.141C>G (p.Val47=)

Gene: KCNE1 (potassium voltage-gated channel subfamily E regulatory subunit 1; minus strand). Cytogenetic location: 21q22.12.
Variant type: single nucleotide variant.
Coding change: c.141C>G on transcript NM_000219.6 (MANE Select); coding-DNA position 141, C replaced by G.
Protein change: p.Val47=; no amino-acid change (valine 47 retained).
Molecular consequence: synonymous variant.
Genome position (GRCh38, 1-based): chr21:34,449,494, G>C on the plus strand (C>G on the coding strand, the complement: KCNE1 is on the minus strand). VCF-style: chr21-34449494-G-C. GRCh37 (hg19) VCF-style: chr21-35821792-G-C.
Other names: c.141C>G, p.Val47= (NM_001127668.4, NM_001127669.4, NM_001127670.4 and 4 more transcripts).
Identifiers: ClinVar variation 3374154 (VCV003374154.2).